The following is an entry in ClinVar:

NM_001065.4(TNFRSF1A):c.386A>G (p.Lys129Arg)

Gene: TNFRSF1A (TNF receptor superfamily member 1A; minus strand). Cytogenetic location: 12p13.31.
Variant type: single nucleotide variant.
Coding change: c.386A>G on transcript NM_001065.4 (MANE Select); coding-DNA position 386, A replaced by G.
Protein change: p.Lys129Arg; replaces lysine 129 with arginine.
Molecular consequence: missense variant. On other transcripts: 5 prime UTR variant (1), non-coding transcript variant (1).
Genome position (GRCh38, 1-based): chr12:6,333,453, T>C on the plus strand (A>G on the coding strand, the complement: TNFRSF1A is on the minus strand). VCF-style: chr12-6333453-T-C. GRCh37 (hg19) VCF-style: chr12-6442619-T-C.
Other names: c.62A>G, p.Lys21Arg (NM_001346091.2); c.-192A>G (NM_001346092.2); short protein forms K129R, K21R.
Identifiers: ClinVar variation 1967606 (VCV001967606.5), dbSNP rs1300101062, ClinGen allele CA383550138.

ClinVar aggregate classification (germline): Uncertain significance (1 of 4 stars; one submission).

Conditions:
TNF receptor-associated periodic fever syndrome (TRAPS) (FPF). Also called: TNF receptor 1-associated periodic fever syndrome; FAMILIAL HIBERNIAN FEVER; TNF RECEPTOR-ASSOCIATED PERIODIC SYNDROME; TUMOR NECROSIS FACTOR RECEPTOR-ASSOCIATED PERIODIC SYNDROME; Autosomal Dominant Familial Periodic Fever; TNF Receptor-Associated Periodic Fever Syndrome. Identifiers: Orphanet 32960, MedGen C1275126, MONDO:0007727, OMIM 142680.

gnomAD v4.1: 1 of 1,614,120 alleles (0.000062%); no homozygotes.

Submission:

Labcorp Genetics (formerly Invitae), Labcorp
Classification: Uncertain significance for TNF receptor-associated periodic fever syndrome (TRAPS). Last evaluated: 2025-03-31. Review status: criteria provided, single submitter. Criteria: Invitae Variant Classification Sherloc (09022015). Collection method: clinical testing. Allele origin: germline.
Comment: This sequence change replaces lysine, which is basic and polar, with arginine, which is basic and polar, at codon 129 of the TNFRSF1A protein (p.Lys129Arg). This variant is not present in population databases (gnomAD no frequency). This variant has not been reported in the literature in individuals affected with TNFRSF1A-related conditions. ClinVar contains an entry for this variant (Variation ID: 1967606). Invitae Evidence Modeling of protein sequence and biophysical properties (such as structural, functional, and spatial information, amino acid conservation, physicochemical variation, residue mobility, and thermodynamic stability) has been performed for this missense variant. However, the output from this modeling did not meet the statistical confidence thresholds required to predict the impact of this variant on TNFRSF1A protein function. In summary, the available evidence is currently insufficient to determine the role of this variant in disease. Therefore, it has been classified as a Variant of Uncertain Significance.